The following is an entry in ClinVar:

NM_015631.6(TCTN3):c.326G>A (p.Cys109Tyr)

Gene: TCTN3 (tectonic family member 3; minus strand). Cytogenetic location: 10q24.1.
Variant type: single nucleotide variant.
Coding change: c.326G>A on transcript NM_015631.6 (MANE Select); coding-DNA position 326, G replaced by A.
Protein change: p.Cys109Tyr; replaces cysteine 109 with tyrosine.
Molecular consequence: missense variant.
Genome position (GRCh38, 1-based): chr10:95,693,407, C>T on the plus strand (G>A on the coding strand, the complement: TCTN3 is on the minus strand). VCF-style: chr10-95693407-C-T. GRCh37 (hg19) VCF-style: chr10-97453164-C-T.
Other names: c.326G>A (NM_015631.5); c.326G>A, p.Cys109Tyr (NM_001143973.2); short protein forms C109Y.
Identifiers: ClinVar variation 1382357 (VCV001382357.6), dbSNP rs143758863, ClinGen allele CA5621183.

ClinVar aggregate classification (germline): Uncertain significance. Review status: criteria provided, multiple submitters, no conflicts (2 of 4 stars). 3 submissions from 3 submitters: Uncertain significance (3). Last evaluated 2024-08-16.

Conditions:
Orofacial-digital syndrome IV (OFD4). Also called: BARAITSER-BURN SYNDROME; Orofaciodigital syndrome IV; MOHR-MAJEWSKI SYNDROME; OFD SYNDROME WITH TIBIAL DEFECTS; OFD SYNDROME, BARAITSER-BURN TYPE; OFDS IV. Identifiers: Orphanet 2753, MedGen C0406727, MONDO:0009794, OMIM 258860.
Joubert syndrome 18 (JBTS18). Identifiers: Orphanet 2754, MedGen C3553758, MONDO:0013896, OMIM 614815.
Inborn genetic diseases. Identifiers: MedGen C0950123, MeSH D030342.

Allele frequency attached by ClinVar (database versions not stated): gnomAD 0.00004 and 0.00006; ExAC 0.00005; TOPMed 0.00006; gnomAD exomes 0.00009 and 0.00016; 1000 Genomes Project 30x 0.00016; 1000 Genomes Project 0.00020; ESP Exome Variant Server 0.00022.
gnomAD v4.1: 222 of 1,552,014 alleles (0.014%); highest among the groups gnomAD compares: Non-Finnish European, 0.019%; no homozygotes.

Submissions (3):

Blueprint Genetics
Classification: Uncertain significance. Last evaluated: 2024-08-16. Review status: criteria provided, single submitter. Criteria: ACMG Guidelines, 2015. Collection method: clinical testing. Allele origin: germline.

Labcorp Genetics (formerly Invitae), Labcorp
Classification: Uncertain significance for Joubert syndrome 18; Orofacial-digital syndrome IV. Last evaluated: 2024-04-11. Review status: criteria provided, single submitter. Criteria: Invitae Variant Classification Sherloc (09022015). Collection method: clinical testing. Allele origin: germline.
Comment: This sequence change replaces cysteine, which is neutral and slightly polar, with tyrosine, which is neutral and polar, at codon 109 of the TCTN3 protein (p.Cys109Tyr). This variant is present in population databases (rs143758863, gnomAD 0.02%). This variant has not been reported in the literature in individuals affected with TCTN3-related conditions. ClinVar contains an entry for this variant (Variation ID: 1382357). Advanced modeling of protein sequence and biophysical properties (such as structural, functional, and spatial information, amino acid conservation, physicochemical variation, residue mobility, and thermodynamic stability) performed at Invitae indicates that this missense variant is expected to disrupt TCTN3 protein function with a positive predictive value of 80%. In summary, the available evidence is currently insufficient to determine the role of this variant in disease. Therefore, it has been classified as a Variant of Uncertain Significance.

Ambry Genetics
Classification: Uncertain significance for Inborn genetic diseases. Last evaluated: 2022-12-19. Review status: criteria provided, single submitter. Criteria: Ambry Variant Classification Scheme 2023. Collection method: clinical testing. Allele origin: germline.